The following is an entry in ClinVar:

NM_006080.3(SEMA3A):c.2033A>T (p.His678Leu)

Gene: SEMA3A (semaphorin 3A; minus strand). Cytogenetic location: 7q21.11.
Variant type: single nucleotide variant.
Coding change: c.2033A>T on transcript NM_006080.3 (MANE Select); coding-DNA position 2033, A replaced by T.
Protein change: p.His678Leu; replaces histidine 678 with leucine.
Molecular consequence: missense variant.
Genome position (GRCh38, 1-based): chr7:83,961,654, T>A on the plus strand (A>T on the coding strand, the complement: SEMA3A is on the minus strand). VCF-style: chr7-83961654-T-A. GRCh37 (hg19) VCF-style: chr7-83590970-T-A.
Other names: short protein forms H678L.
Identifiers: ClinVar variation 3358332 (VCV003358332.2).

ClinVar aggregate classification (germline): Uncertain significance. Review status: criteria provided, single submitter (1 of 4 stars). 2 submissions from 2 submitters: Uncertain significance (1). 1 of the submissions does not count toward it. Last evaluated 2024-07-14.

Conditions:
SEMA3A-related disorder. Also called: SEMA3A-related condition.
Inborn genetic diseases. Identifiers: MedGen C0950123, MeSH D030342.

gnomAD v4.1: 60 of 1,613,786 alleles (0.0037%); highest among the groups gnomAD compares: Admixed American, 0.005%; no homozygotes.

Submissions (2):

Ambry Genetics
Classification: Uncertain significance for Inborn genetic diseases. Last evaluated: 2024-07-14. Review status: criteria provided, single submitter. Criteria: Ambry Variant Classification Scheme 2023. Collection method: clinical testing. Allele origin: germline.

PreventionGenetics, part of Exact Sciences
Classification: Uncertain significance for SEMA3A-related condition. Last evaluated: 2024-06-25. Review status: no assertion criteria provided. Collection method: clinical testing. Allele origin: germline. Not counted in ClinVar's aggregate classification.
Comment: The SEMA3A c.2033A>T variant is predicted to result in the amino acid substitution p.His678Leu. To our knowledge, this variant has not been reported in the literature. This variant is reported in 0.0057% of alleles in individuals of Latino descent in gnomAD. At this time, the clinical significance of this variant is uncertain due to the absence of conclusive functional and genetic evidence.